The following is an entry in ClinVar:

NM_002894.3(RBBP8):c.1369G>A (p.Glu457Lys)

Gene: RBBP8 (RB binding protein 8, endonuclease; plus strand). Cytogenetic location: 18q11.2.
Variant type: single nucleotide variant.
Coding change: c.1369G>A on transcript NM_002894.3 (MANE Select); coding-DNA position 1369, G replaced by A.
Protein change: p.Glu457Lys; replaces glutamic acid 457 with lysine.
Molecular consequence: missense variant.
Genome position (GRCh38, 1-based): chr18:22,993,196, G>A. VCF-style: chr18-22993196-G-A. GRCh37 (hg19) VCF-style: chr18-20573159-G-A.
Other names: c.1369G>A, p.Glu457Lys (NM_203291.2, NM_203292.2); short protein forms E457K.
Identifiers: ClinVar variation 1949245 (VCV001949245.5), dbSNP rs750295016, ClinGen allele CA8910056.
Genomic context (GRCh38, chr18:22,993,196, plus strand): 5'-CTGAAATCATTGGGAGGCCGAACATCCAAAAGGAAGAAAACTGAGGAAGAAAGTGAACAT[G>A]AAGTAAGCTGCCCCCAAGCTTCTTTTGATAAAGAAAATGCTTTCCCTTTTCCAATGGATA-3'
Protein context (NP_002885.1, residues 447-467): RKKTEEESEH[Glu457Lys]VSCPQASFDK

ClinVar aggregate classification (germline): Uncertain significance (1 of 4 stars; one submission).

Allele frequency attached by ClinVar (database versions not stated): TOPMed below 0.00001; gnomAD 0.00001; gnomAD exomes 0.00001; ExAC 0.00005.
gnomAD v4.1: 22 of 1,614,062 alleles (0.0014%); highest among the groups gnomAD compares: East Asian, 0.047%; no homozygotes.

Submission:

Labcorp Genetics (formerly Invitae), Labcorp
Classification: Uncertain significance. Last evaluated: 2021-12-19. Review status: criteria provided, single submitter. Criteria: Invitae Variant Classification Sherloc (09022015). Collection method: clinical testing. Allele origin: germline.
Comment: In summary, the available evidence is currently insufficient to determine the role of this variant in disease. Therefore, it has been classified as a Variant of Uncertain Significance. Algorithms developed to predict the effect of missense changes on protein structure and function (SIFT, PolyPhen-2, Align-GVGD) all suggest that this variant is likely to be tolerated. This variant has not been reported in the literature in individuals affected with RBBP8-related conditions. This variant is present in population databases (rs750295016, gnomAD 0.05%). This sequence change replaces glutamic acid, which is acidic and polar, with lysine, which is basic and polar, at codon 457 of the RBBP8 protein (p.Glu457Lys).